The following is an entry in ClinVar:

NM_006393.3(NEBL):c.1994C>T (p.Thr665Ile)

Gene: NEBL (nebulette; minus strand). Cytogenetic location: 10p12.31.
Variant type: single nucleotide variant.
Coding change: c.1994C>T on transcript NM_006393.3 (MANE Select); coding-DNA position 1994, C replaced by T.
Protein change: p.Thr665Ile; replaces threonine 665 with isoleucine.
Molecular consequence: missense variant. On other transcripts: intron variant (9).
Genome position (GRCh38, 1-based): chr10:20,819,485, G>A on the plus strand (C>T on the coding strand, the complement: NEBL is on the minus strand). VCF-style: chr10-20819485-G-A. GRCh37 (hg19) VCF-style: chr10-21108414-G-A.
Other names: c.250-6545C>T (NM_001377326.1, NM_001377327.1, NM_001377328.1); c.358-6545C>T (NM_213569.2, NM_001173484.2, NM_001377322.1); c.301-6545C>T (NM_001377324.1); c.292-6545C>T (NM_001377325.1); c.310-6545C>T (NM_001377323.1); short protein forms T665I.
Identifiers: ClinVar variation 1784026 (VCV001784026.3), dbSNP rs760424917, ClinGen allele CA5432658.

ClinVar aggregate classification (germline): Uncertain significance (1 of 4 stars; one submission).

Allele frequency attached by ClinVar (database versions not stated): gnomAD exomes below 0.00001; ExAC 0.00001; gnomAD 0.00001; TOPMed 0.00001.
gnomAD v4.1: 3 of 1,613,974 alleles (0.00019%); highest among the groups gnomAD compares: African/African-American, 0.004%; no homozygotes.

Submission:

Ambry Genetics
Classification: Uncertain significance. Last evaluated: 2024-07-11. Review status: criteria provided, single submitter. Criteria: Ambry Variant Classification Scheme 2023. Collection method: clinical testing. Allele origin: germline.
Comment: The p.T665I variant (also known as c.1994C>T), located in coding exon 20 of the NEBL gene, results from a C to T substitution at nucleotide position 1994. The threonine at codon 665 is replaced by isoleucine, an amino acid with similar properties. This amino acid position is conserved. In addition, the in silico prediction for this alteration is inconclusive. Since supporting evidence is limited at this time, the clinical significance of this alteration remains unclear.